The following is an entry in ClinVar:

NM_000080.4(CHRNE):c.1066T>C (p.Ser356Pro)

Genes: CHRNE (cholinergic receptor nicotinic epsilon subunit; minus strand), LOC130060041 (ATAC-STARR-seq lymphoblastoid silent region 8050; plus strand). Cytogenetic location: 17p13.2.
Variant type: single nucleotide variant.
Coding change: c.1066T>C on transcript NM_000080.4 (MANE Select); coding-DNA position 1066, T replaced by C.
Protein change: p.Ser356Pro; replaces serine 356 with proline.
Molecular consequence: missense variant.
Genome position (GRCh38, 1-based): chr17:4,899,351, A>G on the plus strand (T>C on the coding strand, the complement: CHRNE is on the minus strand). VCF-style: chr17-4899351-A-G. GRCh37 (hg19) VCF-style: chr17-4802646-A-G.
Other names: short protein forms S356P.
Identifiers: ClinVar variation 1338453 (VCV001338453.12), dbSNP rs954120463, ClinGen allele CA287180356.

ClinVar aggregate classification (germline): Uncertain significance. Review status: criteria provided, multiple submitters, no conflicts (2 of 4 stars). 3 submissions from 3 submitters: Uncertain significance (3). Last evaluated 2024-10-03.

Conditions:
Inborn genetic diseases. Identifiers: MedGen C0950123, MeSH D030342.
Congenital myasthenic syndrome 4A. Also called: Myasthenic syndrome, congenital, 4a, slow-channel; CONGENITAL MYASTHENIC SYNDROME TYPE Ia1; MYASTHENIC SYNDROME, CONGENITAL, 4A, SLOW-CHANNEL, AUTOSOMAL RECESSIVE. Identifiers: Orphanet 590, MedGen C4225413, MONDO:0011600, OMIM 605809.

Allele frequency attached by ClinVar (database versions not stated): gnomAD exomes below 0.00001; gnomAD 0.00001; TOPMed 0.00001.
gnomAD v4.1: 3 of 1,540,244 alleles (0.00019%); highest among the groups gnomAD compares: African/African-American, 0.0041%; no homozygotes.

Submissions (3):

Ambry Genetics
Classification: Uncertain significance for Inborn genetic diseases. Last evaluated: 2024-10-03. Review status: criteria provided, single submitter. Criteria: Ambry Variant Classification Scheme 2023. Collection method: clinical testing. Allele origin: germline.

Labcorp Genetics (formerly Invitae), Labcorp
Classification: Uncertain significance for Congenital myasthenic syndrome 4A. Last evaluated: 2022-06-27. Review status: criteria provided, single submitter. Criteria: Invitae Variant Classification Sherloc (09022015). Collection method: clinical testing. Allele origin: germline.
Comment: In summary, the available evidence is currently insufficient to determine the role of this variant in disease. Therefore, it has been classified as a Variant of Uncertain Significance. Advanced modeling of protein sequence and biophysical properties (such as structural, functional, and spatial information, amino acid conservation, physicochemical variation, residue mobility, and thermodynamic stability) performed at Invitae indicates that this missense variant is not expected to disrupt CHRNE protein function. ClinVar contains an entry for this variant (Variation ID: 1338453). This variant has not been reported in the literature in individuals affected with CHRNE-related conditions. This variant is present in population databases (no rsID available, gnomAD 0.01%). This sequence change replaces serine, which is neutral and polar, with proline, which is neutral and non-polar, at codon 356 of the CHRNE protein (p.Ser356Pro).

Genetic Services Laboratory, University of Chicago
Classification: Uncertain significance. Last evaluated: 2018-11-06. Review status: criteria provided, single submitter. Criteria: ACMG Guidelines, 2015. Collection method: clinical testing. Allele origin: germline. Affected: no.